The following is an entry in ClinVar:

ClinVar aggregate classification (germline): Conflicting classifications of pathogenicity. Review status: criteria provided, conflicting classifications (1 of 4 stars). 3 submissions from 3 submitters: Pathogenic (1); Likely pathogenic (1); Uncertain significance (1). Last evaluated 2024-12-02.

Conditions:
GATA2 deficiency with susceptibility to MDS/AML. Identifiers: MedGen CN300066, MONDO:0042982.
Deafness-lymphedema-leukemia syndrome. Also called: Emberger syndrome; Lymphedema, primary, with myelodysplasia. Identifiers: Orphanet 3226, MedGen C3279664, MONDO:0013540, OMIM 614038.
Monocytopenia with susceptibility to infections. Also called: GATA2 DEFICIENCY; IMMUNODEFICIENCY 21; MONOCYTOPENIA AND MYCOBACTERIAL INFECTION SYNDROME; MONOCYTOPENIA WITH SUSCEPTIBILITY TO MYCOBACTERIAL, FUNGAL, AND PAPILLOMAVIRUS INFECTIONS AND MYELODYSPLASIA; COMBINED IMMUNODEFICIENCY WITH SUSCEPTIBILITY TO MYCOBACTERIAL, VIRAL, AND FUNGAL INFECTIONS; Dendritic cell, monocyte, B lymphocyte, and natural killer lymphocyte deficiency. Identifiers: Orphanet 228423, MedGen C3280030, MONDO:0013607, OMIM 614172.

Submissions (3):

Labcorp Genetics (formerly Invitae), Labcorp
Classification: Uncertain significance for Monocytopenia with susceptibility to infections; Deafness-lymphedema-leukemia syndrome. Last evaluated: 2024-12-02. Review status: criteria provided, single submitter. Criteria: Invitae Variant Classification Sherloc (09022015). Collection method: clinical testing. Allele origin: germline.
Comment: This sequence change replaces tryptophan, which is neutral and slightly polar, with arginine, which is basic and polar, at codon 360 of the GATA2 protein (p.Trp360Arg). This variant is not present in population databases (gnomAD no frequency). This missense change has been observed in individual(s) with GATA2-related conditions (PMID: 25239263, 27577878, 28126493, 34387894, 34893945). ClinVar contains an entry for this variant (Variation ID: 1184247). Invitae Evidence Modeling of protein sequence and biophysical properties (such as structural, functional, and spatial information, amino acid conservation, physicochemical variation, residue mobility, and thermodynamic stability) indicates that this missense variant is expected to disrupt GATA2 protein function with a positive predictive value of 95%. In summary, the available evidence is currently insufficient to determine the role of this variant in disease. Therefore, it has been classified as a Variant of Uncertain Significance.

St. Jude Molecular Pathology, St. Jude Children's Research Hospital
Classification: Pathogenic for GATA2 deficiency with susceptibility to MDS/AML. Last evaluated: 2024-04-13. Review status: criteria provided, single submitter. Criteria: St. Jude Assertion Criteria 2020. Collection method: clinical testing. Allele origin: germline. Affected: yes.
Comment: The GATA2 c.1078T>A (p.Trp360Arg) missense change is absent in gnomAD v2.1.1. The in silico tool REVEL predicts a deleterious effect on protein function, but this prediction has not been confirmed by functional studies. This variant has been reported in individuals with GATA2-deficiency (PMID: 25239263, 27577878, 28126493, 34893945). A variant affecting the same amino acid residue, p.Trp360Leu, was reported in a patient with GATA2-deficiency (PMID: 29146883). In summary, the evidence currently available is insufficient to determine the clinical significance of this variant. It has therefore been classified as of uncertain significance. In summary, this variant meets criteria to be classified as pathogenic

Molecular Pathology Research Laboratory, SA Pathology
Classification: Likely pathogenic for GATA2 deficiency with susceptibility to MDS/AML; Deafness-lymphedema-leukemia syndrome. Last evaluated: 2021-07-06. Review status: criteria provided, single submitter. Criteria: ACMG Guidelines, 2015. Collection method: curation. Allele origin: germline. Inheritance: Autosomal dominant inheritance. Affected: yes. Observed: 3 variant alleles. Clinical features observed: Immunodeficiency, Lymphedema, Hematological abnormality.
Comment: PS4_Moderate, PM1, PM2, PM5, PP3

Literature cited by the submitters: PubMed 25239263 (cited by Labcorp Genetics (formerly Invitae), Labcorp and Molecular Pathology Research Laboratory, SA Pathology); PubMed 27577878 (cited by Labcorp Genetics (formerly Invitae), Labcorp and Molecular Pathology Research Laboratory, SA Pathology); PubMed 28126493 (cited by Labcorp Genetics (formerly Invitae), Labcorp and Molecular Pathology Research Laboratory, SA Pathology); PubMed 34387894 (cited by Labcorp Genetics (formerly Invitae), Labcorp); PubMed 34893945 (cited by Labcorp Genetics (formerly Invitae), Labcorp).

NM_032638.5(GATA2):c.1078T>A (p.Trp360Arg)

Gene: GATA2 (GATA binding protein 2; minus strand). Cytogenetic location: 3q21.3.
Variant type: single nucleotide variant.
Coding change: c.1078T>A on transcript NM_032638.5 (MANE Select); coding-DNA position 1078, T replaced by A.
Protein change: p.Trp360Arg; replaces tryptophan 360 with arginine.
Molecular consequence: missense variant.
Genome position (GRCh38, 1-based): chr3:128,481,884, A>T on the plus strand (T>A on the coding strand, the complement: GATA2 is on the minus strand). VCF-style: chr3-128481884-A-T. GRCh37 (hg19) VCF-style: chr3-128200727-A-T.
Other names: c.1078T>A, p.Trp360Arg (NM_001145661.2); c.1036T>A, p.Trp346Arg (NM_001145662.1); short protein forms W346R, W360R.
Identifiers: ClinVar variation 1184247 (VCV001184247.4), dbSNP rs2107668680, ClinGen allele CA354413588.